The following is an entry in ClinVar:

NC_000002.12:g.(?_165090130)_(166204484_?)del

Genes: CSRNP3 (cysteine and serine rich nuclear protein 3; plus strand), GALNT3 (polypeptide N-acetylgalactosaminyltransferase 3; minus strand), SCN1A (sodium voltage-gated channel alpha subunit 1; minus strand), SCN2A (sodium voltage-gated channel alpha subunit 2; plus strand), SCN3A (sodium voltage-gated channel alpha subunit 3; minus strand) and 2 more. Cytogenetic location: 2q24.3.
Variant type: Deletion.
Identifiers: ClinVar variation 830392 (VCV000830392.2).

ClinVar aggregate classification (germline): Pathogenic (1 of 4 stars; one submission).

Conditions:
Developmental and epileptic encephalopathy. Identifiers: MedGen C5779964, MONDO:0100620.

Submission:

Labcorp Genetics (formerly Invitae), Labcorp
Classification: Pathogenic for Early infantile epileptic encephalopathy with suppression bursts. Last evaluated: 2019-06-25. Review status: criteria provided, single submitter. Criteria: Invitae Variant Classification Sherloc (09022015). Collection method: clinical testing. Allele origin: germline.
Comment: A gross deletion of the genomic region encompassing the full coding sequence of the SCN1A gene has been identified. The boundaries of this event are unknown as the deletion extends beyond the assayed region for this gene and therefore may encompass additional genes. Whole-gene deletions of SCN1A have been reported in individuals affected with Dravet syndrome (PMID: 17561957, 21719429). Loss-of-function variants in SCN1A are known to be pathogenic (PMID: 17347258, 18930999). For these reasons, this variant has been classified as Pathogenic.

Literature cited by the submitters: PubMed 17561957; PubMed 21719429.